The following is an entry in ClinVar:

ClinVar aggregate classification (germline): Uncertain significance. Review status: criteria provided, multiple submitters, no conflicts (2 of 4 stars). 3 submissions from 3 submitters: Uncertain significance (3). Last evaluated 2026-01-20.

Conditions:
Charcot-Marie-Tooth disease axonal type 2N (CMT2N). Also called: CHARCOT-MARIE-TOOTH DISEASE, AXONAL, AUTOSOMAL DOMINANT, TYPE 2N; CHARCOT-MARIE-TOOTH NEUROPATHY, AXONAL, TYPE 2N; Charcot-Marie-Tooth Neuropathy Type 2N. Identifiers: Orphanet 228174, MedGen C2750090, MONDO:0013212, OMIM 613287.
Charcot-Marie-Tooth disease type 2. Also called: Charcot-Marie-Tooth type 2. Identifiers: Orphanet 64746, MedGen C0270914, MONDO:0018993.
Inborn genetic diseases. Identifiers: MedGen C0950123, MeSH D030342.

Allele frequency attached by ClinVar (database versions not stated): gnomAD exomes 0.00001; ExAC 0.00001.
gnomAD v4.1: 3 of 1,614,178 alleles (0.00019%); highest among the groups gnomAD compares: Non-Finnish European, 0.00025%; no homozygotes.

Submissions (3):

Ambry Genetics
Classification: Uncertain significance for Inborn genetic diseases. Last evaluated: 2026-01-20. Review status: criteria provided, single submitter. Criteria: Ambry Variant Classification Scheme 2023. Collection method: clinical testing. Allele origin: germline.

Labcorp Genetics (formerly Invitae), Labcorp
Classification: Uncertain significance for Charcot-Marie-Tooth disease type 2. Last evaluated: 2022-10-04. Review status: criteria provided, single submitter. Criteria: Invitae Variant Classification Sherloc (09022015). Collection method: clinical testing. Allele origin: germline.
Comment: In summary, the available evidence is currently insufficient to determine the role of this variant in disease. Therefore, it has been classified as a Variant of Uncertain Significance. Advanced modeling of protein sequence and biophysical properties (such as structural, functional, and spatial information, amino acid conservation, physicochemical variation, residue mobility, and thermodynamic stability) has been performed at Invitae for this missense variant, however the output from this modeling did not meet the statistical confidence thresholds required to predict the impact of this variant on AARS protein function. This variant has not been reported in the literature in individuals affected with AARS-related conditions. This variant is present in population databases (rs776572216, gnomAD 0.0009%). This sequence change replaces glutamine, which is neutral and polar, with histidine, which is basic and polar, at codon 252 of the AARS protein (p.Gln252His).

Department of Pathology and Laboratory Medicine, Sinai Health System
Classification: Uncertain significance for Charcot-Marie-Tooth disease axonal type 2N. Last evaluated: 2022-07-14. Review status: criteria provided, single submitter. Criteria: ACMG Guidelines, 2015. Collection method: research. Allele origin: germline.

NM_001605.3(AARS1):c.756G>C (p.Gln252His)

Gene: AARS1 (alanyl-tRNA synthetase 1; minus strand). Cytogenetic location: 16q22.1.
Variant type: single nucleotide variant.
Coding change: c.756G>C on transcript NM_001605.3 (MANE Select); coding-DNA position 756, G replaced by C.
Protein change: p.Gln252His; replaces glutamine 252 with histidine.
Molecular consequence: missense variant.
Genome position (GRCh38, 1-based): chr16:70,270,256, C>G on the plus strand (G>C on the coding strand, the complement: AARS1 is on the minus strand). VCF-style: chr16-70270256-C-G. GRCh37 (hg19) VCF-style: chr16-70304159-C-G.
Other names: short protein forms Q252H.
Identifiers: ClinVar variation 2167686 (VCV002167686.6), dbSNP rs776572216, ClinGen allele CA8141051.